The following is an entry in ClinVar:

NM_018489.3(ASH1L):c.241T>C (p.Ser81Pro)

Gene: ASH1L (ASH1 like histone lysine methyltransferase; minus strand). Cytogenetic location: 1q22.
Variant type: single nucleotide variant.
Coding change: c.241T>C on transcript NM_018489.3 (MANE Select); coding-DNA position 241, T replaced by C.
Protein change: p.Ser81Pro; replaces serine 81 with proline.
Molecular consequence: missense variant.
Genome position (GRCh38, 1-based): chr1:155,521,279, A>G on the plus strand (T>C on the coding strand, the complement: ASH1L is on the minus strand). VCF-style: chr1-155521279-A-G. GRCh37 (hg19) VCF-style: chr1-155491070-A-G.
Other names: c.241T>C, p.Ser81Pro (NM_001366177.2); short protein forms S81P.
Identifiers: ClinVar variation 4074701 (VCV004074701.1).

ClinVar aggregate classification (germline): Uncertain significance (1 of 4 stars; one submission).

Submission:

GeneDx
Classification: Uncertain significance. Last evaluated: 2025-02-07. Review status: criteria provided, single submitter. Criteria: GeneDx Variant Classification Process June 2021. Collection method: clinical testing. Allele origin: germline. Affected: yes.
Comment: Not observed at significant frequency in large population cohorts (gnomAD); In silico analysis indicates that this missense variant does not alter protein structure/function; Has not been previously published as pathogenic or benign to our knowledge